The following is an entry in ClinVar:

ClinVar aggregate classification (germline): Likely pathogenic (1 of 4 stars; one submission).

Submission:

GeneDx
Classification: Likely pathogenic. Last evaluated: 2020-02-27. Review status: criteria provided, single submitter. Criteria: GeneDx Variant Classification Process June 2021. Collection method: clinical testing. Allele origin: germline. Affected: yes.
Comment: Nonsense variant predicted to result in protein truncation or nonsense mediated decay in a gene for which loss-of-function is a known mechanism of disease; Not observed in large population cohorts (gnomAD); Has not been previously published as pathogenic or benign to our knowledge; This variant is associated with the following publications: (PMID: 32521533)

NM_000136.3(FANCC):c.1450C>T (p.Gln484Ter)

Genes: AOPEP (aminopeptidase O (putative); plus strand), FANCC (FA complementation group C; minus strand). Cytogenetic location: 9q22.32.
Variant type: single nucleotide variant.
Coding change: c.1450C>T on transcript NM_000136.3 (MANE Select); coding-DNA position 1450, C replaced by T.
Protein change: p.Gln484Ter; replaces glutamine 484 with a stop codon.
Molecular consequence: nonsense.
Genome position (GRCh38, 1-based): chr9:95,107,149, G>A on the plus strand (C>T on the coding strand, the complement: FANCC is on the minus strand). VCF-style: chr9-95107149-G-A. GRCh37 (hg19) VCF-style: chr9-97869431-G-A.
Other names: c.1450C>T, p.Gln484Ter (NM_001243743.2); short protein forms Q484*.
Identifiers: ClinVar variation 3777326 (VCV003777326.1).